The following is an entry in ClinVar:

ClinVar aggregate classification (germline): Likely benign (1 of 4 stars; one submission).

Allele frequency attached by ClinVar (database versions not stated): gnomAD 0.00001; TOPMed 0.00004; gnomAD exomes 0.00005; ExAC 0.00007.
gnomAD v4.1: 82 of 1,613,966 alleles (0.0051%); highest among the groups gnomAD compares: South Asian, 0.02%; 3 homozygotes.

Submission:

CeGaT Center for Human Genetics Tuebingen
Classification: Likely benign. Last evaluated: 2022-04-01. Review status: criteria provided, single submitter. Criteria: CeGaT Center For Human Genetics Tuebingen Variant Classification Criteria Version 2. Collection method: clinical testing. Allele origin: germline. Affected: yes. Observed: 1 variant allele.
Comment: OSBPL6: BP4, BP7

NM_032523.4(OSBPL6):c.540G>A (p.Arg180=)

Gene: OSBPL6 (oxysterol binding protein like 6; plus strand). Cytogenetic location: 2q31.2.
Variant type: single nucleotide variant.
Coding change: c.540G>A on transcript NM_032523.4 (MANE Select); coding-DNA position 540, G replaced by A.
Protein change: p.Arg180=; no amino-acid change (arginine 180 retained).
Molecular consequence: synonymous variant.
Genome position (GRCh38, 1-based): chr2:178,332,924, G>A. VCF-style: chr2-178332924-G-A. GRCh37 (hg19) VCF-style: chr2-179197651-G-A.
Other names: c.540G>A, p.Arg180= (NM_001201480.2, NM_001201481.2, NM_001201482.2); c.477G>A, p.Arg159= (NM_145739.3).
Identifiers: ClinVar variation 2651573 (VCV002651573.24), dbSNP rs764936609, ClinGen allele CA1982980.